The following is an entry in ClinVar:

NM_006729.5(DIAPH2):c.360C>T (p.Asn120=)

Gene: DIAPH2 (diaphanous related formin 2; plus strand). Cytogenetic location: Xq21.33.
Variant type: single nucleotide variant.
Coding change: c.360C>T on transcript NM_006729.5 (MANE Select); coding-DNA position 360, C replaced by T.
Protein change: p.Asn120=; no amino-acid change (asparagine 120 retained).
Molecular consequence: synonymous variant.
Genome position (GRCh38, 1-based): chrX:96,758,171, C>T. VCF-style: chrX-96758171-C-T. GRCh37 (hg19) VCF-style: chrX-96013170-C-T.
Other names: c.360C>T, p.Asn120= (NM_007309.4).
Identifiers: ClinVar variation 2661019 (VCV002661019.24), dbSNP rs200157443, ClinGen allele CA10467863.
Genomic context (GRCh38, chrX:96,758,171, plus strand): 5'-GTGGAAATTTATCAATGCCCACAGTAAATGTTATCTCTTACAGGAGGACATGAACCTTAA[C>T]GAAGAGAAAAAAGCTCCTTTACGAAACAAAGACTTTACCACCAAACGTGAGATGGTTGTC-3'
Protein context (NP_006720.1, residues 110-130): FEKMMEDMNL[Asn120=]EEKKAPLRNK

ClinVar aggregate classification (germline): Likely benign (1 of 4 stars; one submission).

Allele frequency attached by ClinVar (database versions not stated): gnomAD 0.00005; gnomAD exomes 0.00005; TOPMed 0.00006; ESP Exome Variant Server 0.00009; ExAC 0.00011; 1000 Genomes Project 30x 0.00021; 1000 Genomes Project 0.00026.
gnomAD v4.1: 54 of 1,202,032 alleles (0.0045%); highest among the groups gnomAD compares: Admixed American, 0.023%; no homozygotes.

Submission:

CeGaT Center for Human Genetics Tuebingen
Classification: Likely benign. Last evaluated: 2022-03-01. Review status: criteria provided, single submitter. Criteria: CeGaT Center For Human Genetics Tuebingen Variant Classification Criteria Version 2. Collection method: clinical testing. Allele origin: germline. Affected: yes. Observed: 1 variant allele.
Comment: DIAPH2: BP4, BP7